The following is an entry in ClinVar:

ClinVar aggregate classification (germline): Uncertain significance (1 of 4 stars; one submission).

Conditions:
Hereditary cancer-predisposing syndrome. Also called: Hereditary neoplastic syndrome; Neoplastic Syndromes, Hereditary; Tumor predisposition; Hereditary Cancer Syndrome. Identifiers: Orphanet 140162, MedGen C0027672, MeSH D009386, MONDO:0015356.

Submission:

Ambry Genetics
Classification: Uncertain significance for Hereditary cancer-predisposing syndrome. Last evaluated: 2025-08-27. Review status: criteria provided, single submitter. Criteria: Ambry Variant Classification Scheme 2023. Collection method: clinical testing. Allele origin: germline.
Comment: The p.T207A variant (also known as c.619A>G), located in coding exon 8 of the MUTYH gene, results from an A to G substitution at nucleotide position 619. The threonine at codon 207 is replaced by alanine, an amino acid with similar properties. This amino acid position is conserved. In addition, this alteration is predicted to be tolerated by in silico analysis. Based on the available evidence, the clinical significance of this variant remains unclear.

NM_001048174.2(MUTYH):c.535A>G (p.Thr179Ala)

Gene: MUTYH (mutY DNA glycosylase; minus strand). Cytogenetic location: 1p34.1.
Variant type: single nucleotide variant.
Coding change: c.535A>G on transcript NM_001048174.2 (MANE Select); coding-DNA position 535, A replaced by G.
Protein change: p.Thr179Ala; replaces threonine 179 with alanine.
Molecular consequence: missense variant. On other transcripts: non-coding transcript variant (7).
Genome position (GRCh38, 1-based): chr1:45,332,645, T>C on the plus strand (A>G on the coding strand, the complement: MUTYH is on the minus strand). VCF-style: chr1-45332645-T-C. GRCh37 (hg19) VCF-style: chr1-45798317-T-C.
Other names: c.535A>G, p.Thr179Ala (NM_001048171.2, NM_001407070.1, NM_001407072.1 and 6 more transcripts); c.538A>G, p.Thr180Ala (NM_001048172.2, NM_001407071.1, NM_001407078.1 and 1 more transcripts); c.190A>G, p.Thr64Ala (NM_001350650.2, NM_001350651.2, NM_001407082.1); c.568A>G, p.Thr190Ala (NM_001407069.1, NM_001407077.1, NM_001293191.2); c.451A>G, p.Thr151Ala (NM_001407075.1); c.259A>G, p.Thr87Ala (NM_001407091.1, NM_001293192.2, NM_001293196.2); c.610A>G, p.Thr204Ala (NM_012222.3); c.619A>G, p.Thr207Ala (NM_001128425.2); and 5 more; short protein forms T179A, T193A, T204A, T207A, T151A, T166A, T194A, T165A.
Identifiers: ClinVar variation 4113763 (VCV004113763.1).